The following is an entry in ClinVar:

NC_000013.10:g.(?_32889617)_(32954302_?)del

Gene: BRCA2 (BRCA2 DNA repair associated; plus strand). Cytogenetic location: 13q13.1.
Variant type: Deletion.
Identifiers: ClinVar variation 3244167 (VCV003244167.1).

ClinVar aggregate classification (germline): Pathogenic (1 of 4 stars; one submission).

Conditions:
Hereditary breast ovarian cancer syndrome. Also called: Hereditary breast and ovarian cancer syndrome; Hereditary breast and ovarian cancer; Hereditary breast and ovarian cancer syndrome (HBOC); Breast and ovarian cancer; Hereditary breast and/or ovarian cancer syndrome; BRCA1- and BRCA2-Associated Hereditary Breast and Ovarian Cancer. Identifiers: Orphanet 145, MedGen C0677776, MeSH D061325, MONDO:0003582. Disease mechanism: loss of function.

Submission:

Labcorp Genetics (formerly Invitae), Labcorp
Classification: Pathogenic for Hereditary breast ovarian cancer syndrome. Last evaluated: 2023-02-23. Review status: criteria provided, single submitter. Criteria: Invitae Variant Classification Sherloc (09022015). Collection method: clinical testing. Allele origin: unknown.
Comment: A similar copy number variant has been observed in individual(s) with BRCA2-related conditions (PMID: 26026974). This variant is a gross deletion of the genomic region encompassing exon(s) 1-24 of the BRCA2 gene, which includes the initiator codon. This deletion extends beyond the assayed region for this gene and therefore may encompass additional genes. It is expected to result in an absent or disrupted protein product. Loss-of-function variants in BRCA2 are known to be pathogenic (PMID: 20104584). For these reasons, this variant has been classified as Pathogenic.

Literature cited by the submitters: PubMed 26026974; PubMed 20104584.